The following is an entry in ClinVar:

ClinVar aggregate classification (germline): Conflicting classifications of pathogenicity. Review status: criteria provided, conflicting classifications (1 of 4 stars). 3 submissions from 3 submitters: Uncertain significance (2); Likely benign (1). Last evaluated 2026-02-20.

Conditions:
Oligodontia-cancer predisposition syndrome. Also called: TOOTH AGENESIS-COLORECTAL CANCER SYNDROME. Identifiers: Orphanet 300576, MedGen C1837750, MONDO:0012075, OMIM 608615. Disease mechanism: loss of function.
Hereditary cancer-predisposing syndrome. Also called: Hereditary Cancer Syndrome; Tumor predisposition; Hereditary neoplastic syndrome; Neoplastic Syndromes, Hereditary. Identifiers: Orphanet 140162, MedGen C0027672, MeSH D009386, MONDO:0015356.

Allele frequency attached by ClinVar (database versions not stated): gnomAD exomes below 0.00001; TOPMed below 0.00001; gnomAD 0.00001.
gnomAD v4.1: 4 of 1,613,140 alleles (0.00025%); highest among the groups gnomAD compares: African/African-American, 0.004%; no homozygotes.

Submissions (3):

St. Jude Molecular Pathology, St. Jude Children's Research Hospital
Classification: Uncertain significance for Oligodontia-cancer predisposition syndrome. Last evaluated: 2026-02-20. Review status: criteria provided, single submitter. Criteria: St. Jude Assertion Criteria 2020. Collection method: clinical testing. Allele origin: germline.
Comment: The AXIN2 c.1814C>A p.(Ala605Asp) missense change has a maximum subpopulation frequency of 0.004% in gnomAD v2.1.1. The in silico tool REVEL predicts a benign effect on protein function, but to our knowledge this prediction has not been confirmed by functional studies. To our knowledge, this variant has not been reported in the literature in individuals with oligodontia-cancer predisposition syndrome. In summary, the evidence currently avail able is insufficient to determine the clinical significance of this variant. It has therefore been classified as of uncertain significance.

Labcorp Genetics (formerly Invitae), Labcorp
Classification: Uncertain significance for Oligodontia-cancer predisposition syndrome. Last evaluated: 2025-11-10. Review status: criteria provided, single submitter. Criteria: Invitae Variant Classification Sherloc (09022015). Collection method: clinical testing. Allele origin: germline.
Comment: This sequence change replaces alanine, which is neutral and non-polar, with aspartic acid, which is acidic and polar, at codon 605 of the AXIN2 protein (p.Ala605Asp). This variant is present in population databases (no rsID available, gnomAD 0.004%). This variant has not been reported in the literature in individuals affected with AXIN2-related conditions. ClinVar contains an entry for this variant (Variation ID: 646838). An algorithm developed to predict the effect of missense changes on protein structure and function (PolyPhen-2) suggests that this variant is likely to be tolerated. In summary, the available evidence is currently insufficient to determine the role of this variant in disease. Therefore, it has been classified as a Variant of Uncertain Significance.

Ambry Genetics
Classification: Likely benign for Hereditary cancer-predisposing syndrome. Last evaluated: 2023-12-21. Review status: criteria provided, single submitter. Criteria: Ambry Variant Classification Scheme 2023. Collection method: clinical testing. Allele origin: germline.

NM_004655.4(AXIN2):c.1814C>A (p.Ala605Asp)

Gene: AXIN2 (axin 2; minus strand). Cytogenetic location: 17q24.1.
Variant type: single nucleotide variant.
Coding change: c.1814C>A on transcript NM_004655.4 (MANE Select); coding-DNA position 1814, C replaced by A.
Protein change: p.Ala605Asp; replaces alanine 605 with aspartic acid.
Molecular consequence: missense variant. On other transcripts: intron variant (1).
Genome position (GRCh38, 1-based): chr17:65,536,962, G>T on the plus strand (C>A on the coding strand, the complement: AXIN2 is on the minus strand). VCF-style: chr17-65536962-G-T. GRCh37 (hg19) VCF-style: chr17-63533080-G-T.
Other names: c.1814C>A (LRG_296t1); c.1712+362C>A (NM_001363813.1); short protein forms A605D.
Identifiers: ClinVar variation 646838 (VCV000646838.14), dbSNP rs1268443604, ClinGen allele CA400676573.
Genomic context (GRCh38, chr17:65,536,962, plus strand): 5'-TCCAGCATCCACTGCCAGACATCCTGCGACCTGTCTCCTTCCTCCCGGGGAAGCTGCAGG[G>T]CCCCAGCTCCGCCGGGGGCCCCTCCTTCCCTGGCGGGCAGGGCCAGGCCCGGCTCCGTGC-3'
Protein context (NP_004646.3, residues 595-615): REGGAPGGAG[Ala605Asp]LQLPREEGDR